The following is an entry in ClinVar:

NM_001003722.2(GLE1):c.1684C>T (p.Gln562Ter)

Genes: GLE1 (GLE1 RNA export mediator; plus strand), LOC101929270 (uncharacterized LOC101929270; minus strand). Cytogenetic location: 9q34.11.
Variant type: single nucleotide variant.
Coding change: c.1684C>T on transcript NM_001003722.2 (MANE Select); coding-DNA position 1684, C replaced by T.
Protein change: p.Gln562Ter; replaces glutamine 562 with a stop codon.
Molecular consequence: nonsense.
Genome position (GRCh38, 1-based): chr9:128,536,392, C>T. VCF-style: chr9-128536392-C-T. GRCh37 (hg19) VCF-style: chr9-131298671-C-T.
Other names: c.1711C>T, p.Gln571Ter (NM_001411013.1); c.1684C>T, p.Gln562Ter (NM_001499.2); short protein forms Q562*, Q571*.
Identifiers: ClinVar variation 4068756 (VCV004068756.2).
Genomic context (GRCh38, chr9:128,536,392, plus strand): 5'-CCAAATTTTTTCTTCCCGTATAGGATGCTTGGTTACCAAGTAAAGGATTCCAAAGTGGAG[C>T]AGCAAGACAACTTTCTAAAACGCATGTCAGGGATGATCCGTCTCTACGCTGCTATCATCC-3'

ClinVar aggregate classification (germline): Likely pathogenic (1 of 4 stars; one submission).

Conditions:
Lethal congenital contractural syndrome Finnish type.

Submission:

Natera, Inc.
Classification: Likely pathogenic for Lethal congenital contractural syndrome Finnish type. Last evaluated: 2025-03-13. Review status: criteria provided, single submitter. Criteria: Natera Variant Classification Schema (03/2026). Collection method: clinical testing. Allele origin: germline.
Comment: The c.1684C>T variant in GLE1 is a nonsense variant predicted to introduce a stop codon at amino acid 562. This variant is expected to result in nonsense mediated decay, truncation, or a dysfunctional protein product. This variant is rare in the general population with a frequency below the threshold expected for the associated phenotype(s). Given the available evidence, this variant is classified as Likely Pathogenic.